The following is an entry in ClinVar:

ClinVar aggregate classification (germline): Uncertain significance (1 of 4 stars; one submission).

gnomAD v4.1: 5 of 1,613,978 alleles (0.00031%); highest among the groups gnomAD compares: Non-Finnish European, 0.00034%; no homozygotes.

Submission:

Women's Health and Genetics/Laboratory Corporation of America, LabCorp
Classification: Uncertain significance. Last evaluated: 2024-06-14. Review status: criteria provided, single submitter. Criteria: LabCorp Variant Classification Summary - May 2015. Collection method: clinical testing. Allele origin: germline.
Comment: Variant summary: ERCC6 c.2808G>T (p.Trp936Cys) results in a non-conservative amino acid change located in the SNF2/RAD5-like, C-terminal helicase domain (IPR049730) of the encoded protein sequence. Five of five in-silico tools predict a damaging effect of the variant on protein function. The variant was absent in 251212 control chromosomes. The available data on variant occurrences in the general population are insufficient to allow any conclusion about variant significance. To our knowledge, no occurrence of c.2808G>T in individuals affected with Cockayne Syndrome and no experimental evidence demonstrating its impact on protein function have been reported. No submitters have cited clinical-significance assessments for this variant to ClinVar. Based on the evidence outlined above, the variant was classified as uncertain significance.

NM_000124.4(ERCC6):c.2808G>T (p.Trp936Cys)

Genes: ERCC6 (ERCC excision repair 6, chromatin remodeling factor; minus strand), LOC126860933 (BRD4-independent group 4 enhancer GRCh37_chr10:50679962-50681161; plus strand). Cytogenetic location: 10q11.23.
Variant type: single nucleotide variant.
Coding change: c.2808G>T on transcript NM_000124.4 (MANE Select); coding-DNA position 2808, G replaced by T.
Protein change: p.Trp936Cys; replaces tryptophan 936 with cysteine.
Molecular consequence: missense variant.
Genome position (GRCh38, 1-based): chr10:49,472,930, C>A on the plus strand (G>T on the coding strand, the complement: ERCC6 is on the minus strand). VCF-style: chr10-49472930-C-A. GRCh37 (hg19) VCF-style: chr10-50680976-C-A.
Other names: c.2808G>T, p.Trp936Cys (NM_001346440.2); short protein forms W936C.
Identifiers: ClinVar variation 3340052 (VCV003340052.1).
Genomic context (GRCh38, chr10:49,472,930, plus strand): 5'-CTACTAATACATTCTTTTAAAAAAAAAATAAAAACAAACCTGCGTGTCCGTGCTTGGGTT[C>A]CAGTCTGGGTCATAGATGACAACTCTGTTTGCCCCCGTCAGGTTGACACCTAAGCCGCCC-3'
Protein context (NP_000115.1, residues 926-946): ANRVVIYDPD[Trp936Cys]NPSTDTQARE